The following is an entry in ClinVar:

NM_001854.4(COL11A1):c.1630-3T>C

Gene: COL11A1 (collagen type XI alpha 1 chain; minus strand). Cytogenetic location: 1p21.1.
Variant type: single nucleotide variant.
Coding change: c.1630-3T>C on transcript NM_001854.4 (MANE Select); 3 bases into the intron before coding-DNA position 1630, T replaced by C.
Molecular consequence: intron variant.
Genome position (GRCh38, 1-based): chr1:103,008,519, A>G on the plus strand (T>C on the coding strand, the complement: COL11A1 is on the minus strand). VCF-style: chr1-103008519-A-G. GRCh37 (hg19) VCF-style: chr1-103474075-A-G.
Other names: c.1513-3T>C (NM_001190709.2); c.1666-3T>C (NM_080629.3); c.1282-3T>C (NM_080630.4).
Identifiers: ClinVar variation 3367091 (VCV003367091.3).
Genomic context (GRCh38, chr1:103,008,519, plus strand): 5'-TTACCTGAGGACCTGGATCACCACTCTCACCTTTGGCCCCAGATGAACCAGGCCCCCCCT[A>G]TAGAGAAAAAGTGAAGATATTTCACTTAATTTAGCAATTTCCTAACTACTTTTATCCTGC-3'

ClinVar aggregate classification (germline): Uncertain significance. Review status: criteria provided, multiple submitters, no conflicts (2 of 4 stars). 2 submissions from 2 submitters: Uncertain significance (2). Last evaluated 2025-01-11.

Conditions:
Stickler syndrome type 2 (STL2). Also called: STICKLER SYNDROME, BEADED VITREOUS TYPE; STICKLER SYNDROME, VITREOUS TYPE 2; STICKLER SYNDROME, TYPE II; COL11A1-Related Stickler Syndrome. Identifiers: Orphanet 828, Orphanet 90654, MedGen C1858084, MONDO:0011493, OMIM 604841.

gnomAD v4.1: 5 of 1,613,322 alleles (0.00031%); highest among the groups gnomAD compares: Admixed American, 0.005%; no homozygotes.

Submissions (2):

Labcorp Genetics (formerly Invitae), Labcorp
Classification: Uncertain significance. Last evaluated: 2025-01-11. Review status: criteria provided, single submitter. Criteria: Invitae Variant Classification Sherloc (09022015). Collection method: clinical testing. Allele origin: germline.
Comment: This sequence change falls in intron 14 of the COL11A1 gene. It does not directly change the encoded amino acid sequence of the COL11A1 protein. It affects a nucleotide within the consensus splice site. This variant is present in population databases (rs780935690, gnomAD 0.006%). This variant has not been reported in the literature in individuals affected with COL11A1-related conditions. Variants that disrupt the consensus splice site are a relatively common cause of aberrant splicing (PMID: 17576681, 9536098). Algorithms developed to predict the effect of sequence changes on RNA splicing suggest that this variant is not likely to affect RNA splicing. In summary, the available evidence is currently insufficient to determine the role of this variant in disease. Therefore, it has been classified as a Variant of Uncertain Significance.

Neuberg Centre For Genomic Medicine, NCGM
Classification: Uncertain significance for Stickler syndrome type 2. Last evaluated: 2023-05-20. Review status: criteria provided, single submitter. Criteria: ACMG Guidelines, 2015. Collection method: clinical testing. Allele origin: germline. Inheritance: Autosomal recessive inheritance. Affected: yes.
Comment: The observed splice region / intron variant c.1630-3T>C in COL11A1 gene has not been reported previously as a pathogenic variant nor as a benign variant, to our knowledge. The c.1630-3T>C variant is absent in gnomAD Exomes. This splice region variant in intron 14 affects the position three nucleotides upstream of exon 15. For these reasons, this variant has been classified as Uncertain Significance.

Literature cited by the submitters: PubMed 17576681 (cited by Labcorp Genetics (formerly Invitae), Labcorp); PubMed 9536098 (cited by Labcorp Genetics (formerly Invitae), Labcorp).